The following is an entry in ClinVar:

ClinVar aggregate classification (germline): Pathogenic (1 of 4 stars; one submission).

Conditions:
Tuberous sclerosis 1 (TSC1). Identifiers: Orphanet 805, MedGen C1854465, MONDO:0008612, OMIM 191100.

Submission:

Labcorp Genetics (formerly Invitae), Labcorp
Classification: Pathogenic for Tuberous sclerosis 1. Last evaluated: 2022-08-29. Review status: criteria provided, single submitter. Criteria: Invitae Variant Classification Sherloc (09022015). Collection method: clinical testing. Allele origin: germline.
Comment: For these reasons, this variant has been classified as Pathogenic. This variant has not been reported in the literature in individuals affected with TSC1-related conditions. This variant is not present in population databases (gnomAD no frequency). This sequence change creates a premature translational stop signal (p.Lys118Asnfs*19) in the TSC1 gene. It is expected to result in an absent or disrupted protein product. Loss-of-function variants in TSC1 are known to be pathogenic (PMID: 10227394, 17304050).

Literature cited by the submitters: PubMed 10227394; PubMed 17304050.

NM_000368.5(TSC1):c.354del (p.Lys118fs)

Gene: TSC1 (TSC complex subunit 1; minus strand). Cytogenetic location: 9q34.13.
Variant type: Deletion.
Coding change: c.354del on transcript NM_000368.5 (MANE Select); coding-DNA position 354, one base deleted (A; older notation c.354delA).
Protein change: p.Lys118fs; shifts the reading frame from lysine 118.
Molecular consequence: frameshift variant. On other transcripts: intron variant (1), 5 prime UTR variant (1).
Genome position (GRCh38, 1-based): chr9:132,925,596, T deleted on the plus strand (A on the coding strand, the reverse complement: TSC1 is on the minus strand); the first of 4 consecutive T bases (chr9:132,925,596-132,925,599); deleting any one gives the same sequence. VCF-style (leftmost placement, unchanged base first): chr9-132925595-AT-A. GRCh37 (hg19) VCF-style: chr9-135800982-AT-A.
Other names: c.-743delA (NM_001406630.1); c.210+1605del (NM_001162427.2); c.354del, p.Lys118fs (NM_001162426.2); c.-10del (NM_001362177.2); c.351delA, p.Lys118Asnfs (NM_001406592.1, NM_001406593.1, NM_001406594.1 and 15 more transcripts); c.-105delA (NM_001406614.1, NM_001406616.1, NM_001406624.1); c.-138delA (NM_001406615.1, NM_001406623.1); c.-13delA (NM_001406617.1, NM_001406618.1, NM_001406619.1 and 4 more transcripts); and 2 more; short protein forms K118fs.
Identifiers: ClinVar variation 2027681 (VCV002027681.4), dbSNP rs2539070826, ClinGen allele CA2580080073.
Genomic context (GRCh38, chr9:132,925,595, plus strand): 5'-CAGAAACTATACTCATAAAACCATTTCATTCAAATCCTTACAAACATCCTACCTTGAGAC[AT>A]TTTAGTAAAGAAGGCAAAAGAGGTGCTTGAGAGAGCTTATGCTTCCAAGATGGCTGCAGT-3'